The following is an entry in ClinVar:

ClinVar aggregate classification (germline): Pathogenic (1 of 4 stars; one submission).

Conditions:
Nephronophthisis 18 (NPHP18). Identifiers: Orphanet 655, MedGen C3890591, MONDO:0014374, OMIM 615862.

Submission:

Labcorp Genetics (formerly Invitae), Labcorp
Classification: Pathogenic for Nephronophthisis 18. Last evaluated: 2024-11-03. Review status: criteria provided, single submitter. Criteria: Invitae Variant Classification Sherloc (09022015). Collection method: clinical testing. Allele origin: germline.
Comment: This sequence change creates a premature translational stop signal (p.Arg378Thrfs*2) in the CEP83 gene. It is expected to result in an absent or disrupted protein product. Loss-of-function variants in CEP83 are known to be pathogenic (PMID: 23530209, 24882706). This variant is not present in population databases (gnomAD no frequency). This variant has not been reported in the literature in individuals affected with CEP83-related conditions. ClinVar contains an entry for this variant (Variation ID: 854978). For these reasons, this variant has been classified as Pathogenic.

Literature cited by the submitters: PubMed 23530209; PubMed 24882706.

NM_016122.3(CEP83):c.1131dup (p.Arg378fs)

Gene: CEP83 (centrosomal protein 83; minus strand). Cytogenetic location: 12q22.
Variant type: Duplication.
Coding change: c.1131dup on transcript NM_016122.3 (MANE Select); coding-DNA position 1131, one base duplicated (A; older notation c.1131dupA).
Protein change: p.Arg378fs; shifts the reading frame from arginine 378.
Molecular consequence: frameshift variant. On other transcripts: non-coding transcript variant (1).
Genome position (GRCh38, 1-based): chr12:94,368,119, T duplicated on the plus strand (A on the coding strand, the reverse complement: CEP83 is on the minus strand). VCF-style (leftmost placement, unchanged base first): chr12-94368118-G-GT. GRCh37 (hg19) VCF-style: chr12-94761894-G-GT.
Other names: c.1131dup, p.Arg378fs (NM_001042399.2, NM_001346457.2, NM_001368037.1 and 1 more transcripts); c.819dup, p.Arg274fs (NM_001346458.2, NM_001346459.2, NM_001368039.1 and 1 more transcripts); c.906dup, p.Arg303fs (NM_001368041.1); short protein forms R274fs, R378fs, R303fs.
Identifiers: ClinVar variation 854978 (VCV000854978.9), dbSNP rs2061113374, ClinGen allele CA916083331.